The following is an entry in ClinVar:

ClinVar aggregate classification (germline): Likely pathogenic. Review status: criteria provided, multiple submitters, no conflicts (2 of 4 stars). 4 submissions from 4 submitters: Likely pathogenic (2). 2 of the submissions do not count toward it. Last evaluated 2024-02-05.

Conditions:
Mucopolysaccharidosis, MPS-III-C (MPS3C). Also called: SANFILIPPO SYNDROME C; MPS III C; MUCOPOLYSACCHARIDOSIS, TYPE IIIC; Mucopolysaccharidosis type IIIC (Sanfilippo C); MPS IIIC (Sanfilippo Syndrome Type C); mucopolysaccharidosis type 3C. Identifiers: Orphanet 581, Orphanet 79271, MedGen C0086649, MONDO:0009657, OMIM 252930.
Retinitis pigmentosa 73 (RP73). Identifiers: Orphanet 791, MedGen C4225287, MONDO:0014687, OMIM 616544.

Allele frequency attached by ClinVar (database versions not stated): gnomAD exomes below 0.00001; TOPMed below 0.00001; ExAC 0.00001; gnomAD 0.00001.
gnomAD v4.1: 7 of 1,612,582 alleles (0.00043%); highest among the groups gnomAD compares: Non-Finnish European, 0.00059%; no homozygotes.

Submissions (4):

Fulgent Genetics
Classification: Likely pathogenic for Mucopolysaccharidosis, MPS-III-C; Retinitis pigmentosa 73. Last evaluated: 2024-02-05. Review status: criteria provided, single submitter. Criteria: ACMG Guidelines, 2015. Collection method: clinical testing. Allele origin: germline.

Labcorp Genetics (formerly Invitae), Labcorp
Classification: Likely pathogenic for Retinitis pigmentosa 73; Mucopolysaccharidosis, MPS-III-C. Last evaluated: 2023-11-16. Review status: criteria provided, single submitter. Criteria: Invitae Variant Classification Sherloc (09022015). Collection method: clinical testing. Allele origin: germline.
Comment: This sequence change affects an acceptor splice site in intron 11 of the HGSNAT gene. It is expected to disrupt RNA splicing. Variants that disrupt the donor or acceptor splice site typically lead to a loss of protein function (PMID: 16199547), and loss-of-function variants in HGSNAT are known to be pathogenic (PMID: 17033958, 19479962). This variant is present in population databases (rs749568919, gnomAD 0.0009%). This variant has not been reported in the literature in individuals affected with HGSNAT-related conditions. ClinVar contains an entry for this variant (Variation ID: 554389). Algorithms developed to predict the effect of sequence changes on RNA splicing suggest that this variant may disrupt the consensus splice site. In summary, the currently available evidence indicates that the variant is pathogenic, but additional data are needed to prove that conclusively. Therefore, this variant has been classified as Likely Pathogenic.

Natera, Inc.
Classification: Likely pathogenic for Mucopolysaccharidosis type IIIC. Last evaluated: 2020-07-22. Review status: no assertion criteria provided. Collection method: clinical testing. Allele origin: germline. Not counted in ClinVar's aggregate classification.

Counsyl
Classification: Likely pathogenic for Mucopolysaccharidosis, MPS-III-C. Last evaluated: 2017-10-17. Review status: no assertion criteria provided. Collection method: clinical testing. Allele origin: unknown. Not counted in ClinVar's aggregate classification.

Literature cited by the submitters: PubMed 16199547 (cited by Labcorp Genetics (formerly Invitae), Labcorp); PubMed 17033958 (cited by Labcorp Genetics (formerly Invitae), Labcorp); PubMed 19479962 (cited by Labcorp Genetics (formerly Invitae), Labcorp).

NM_152419.3(HGSNAT):c.1129-2A>T

Gene: HGSNAT (heparan-alpha-glucosaminide N-acetyltransferase; plus strand). Cytogenetic location: 8p11.21.
Variant type: single nucleotide variant.
Coding change: c.1129-2A>T on transcript NM_152419.3 (MANE Select); the canonical splice acceptor site of the intron before coding-DNA position 1129, A replaced by T.
Molecular consequence: splice acceptor variant.
Genome position (GRCh38, 1-based): chr8:43,191,472, A>T. VCF-style: chr8-43191472-A-T. GRCh37 (hg19) VCF-style: chr8-43046615-A-T.
Other names: c.1129-2A>T (NM_001363227.2); c.265-2A>T (NM_001363229.2); c.937-2A>T (NM_001363228.2).
Identifiers: ClinVar variation 554389 (VCV000554389.14), dbSNP rs749568919, ClinGen allele CA4736789.